The following is an entry in ClinVar:

ClinVar aggregate classification (germline): Conflicting classifications of pathogenicity. Review status: criteria provided, conflicting classifications (1 of 4 stars). 3 submissions from 3 submitters: Uncertain significance (1); Benign (1); Likely benign (1). Last evaluated 2026-01-02.

Conditions:
GYS1-related disorder. Also called: GYS1-related condition.
Glycogen storage disease due to muscle and heart glycogen synthase deficiency. Also called: GSD 0b; MUSCLE GLYCOGEN SYNTHASE DEFICIENCY. Identifiers: Orphanet 137625, MedGen C1969054, MONDO:0012693, OMIM 611556.

Allele frequency attached by ClinVar (database versions not stated): gnomAD 0.00002 and 0.00005; TOPMed 0.00003; ESP Exome Variant Server 0.00015.
gnomAD v4.1: 244 of 1,613,684 alleles (0.015%); highest among the groups gnomAD compares: East Asian, 0.48%; 2 homozygotes.

Submissions (3):

Labcorp Genetics (formerly Invitae), Labcorp
Classification: Benign for Glycogen storage disease due to muscle and heart glycogen synthase deficiency. Last evaluated: 2026-01-02. Review status: criteria provided, single submitter. Criteria: Invitae Variant Classification Sherloc (09022015). Collection method: clinical testing. Allele origin: germline.

PreventionGenetics, part of Exact Sciences
Classification: Likely benign for GYS1-related condition. Last evaluated: 2026-01-02. Review status: criteria provided, single submitter. Criteria: ACMG Guidelines, 2015. Collection method: clinical testing. Allele origin: germline.
Comment: This variant is classified as likely benign based on ACMG/AMP sequence variant interpretation guidelines (Richards et al. 2015 PMID: 25741868, with internal and published modifications).

Illumina Laboratory Services, Illumina
Classification: Uncertain significance for Glycogen storage disease due to muscle and heart glycogen synthase deficiency. Last evaluated: 2018-01-13. Review status: criteria provided, single submitter. Criteria: ICSL Variant Classification Criteria 13 December 2019. Collection method: clinical testing. Allele origin: germline.

NM_002103.5(GYS1):c.1020C>T (p.Asp340=)

Gene: GYS1 (glycogen synthase 1; minus strand). Cytogenetic location: 19q13.33.
Variant type: single nucleotide variant.
Coding change: c.1020C>T on transcript NM_002103.5 (MANE Select); coding-DNA position 1020, C replaced by T.
Protein change: p.Asp340=; no amino-acid change (aspartic acid 340 retained).
Molecular consequence: synonymous variant. On other transcripts: non-coding transcript variant (1).
Genome position (GRCh38, 1-based): chr19:48,982,297, G>A on the plus strand (C>T on the coding strand, the complement: GYS1 is on the minus strand). VCF-style: chr19-48982297-G-A. GRCh37 (hg19) VCF-style: chr19-49485554-G-A.
Other names: c.828C>T, p.Asp276= (NM_001161587.2).
Identifiers: ClinVar variation 894179 (VCV000894179.12), dbSNP rs13306415, ClinGen allele CA9563136.